The following is an entry in ClinVar:

NM_001164508.2(NEB):c.24839G>A (p.Arg8280Lys)

Genes: RIF1 (replication timing regulatory factor 1; plus strand), NEB (nebulin; minus strand). Cytogenetic location: 2q23.3.
Variant type: single nucleotide variant.
Coding change: c.24839G>A on transcript NM_001164508.2 (MANE Select); coding-DNA position 24839, G replaced by A.
Protein change: p.Arg8280Lys; replaces arginine 8280 with lysine.
Molecular consequence: missense variant.
Genome position (GRCh38, 1-based): chr2:151,492,421, C>T on the plus strand (G>A on the coding strand, the complement: NEB is on the minus strand). VCF-style: chr2-151492421-C-T. GRCh37 (hg19) VCF-style: chr2-152348935-C-T.
Other names: c.24944G>A (NM_001271208.1); c.24839G>A, p.Arg8280Lys (NM_001164507.2); c.24944G>A, p.Arg8315Lys (NM_001271208.2); c.19271G>A, p.Arg6424Lys (NM_004543.5); short protein forms R6424K, R8280K, R8315K.
Identifiers: ClinVar variation 1027180 (VCV001027180.7), dbSNP rs759522039, ClinGen allele CA1905900.

ClinVar aggregate classification (germline): Uncertain significance. Review status: criteria provided, multiple submitters, no conflicts (2 of 4 stars). 2 submissions from 2 submitters: Uncertain significance (2). Last evaluated 2025-10-29.

Conditions:
Nemaline myopathy 2 (NEM2). Also called: Nemaline myopathy 2, autosomal recessive. Identifiers: MedGen C1850569, MONDO:0009725, OMIM 256030.

Allele frequency attached by ClinVar (database versions not stated): gnomAD exomes below 0.00001; ExAC 0.00001.
gnomAD v4.1: 2 of 1,609,998 alleles (0.00012%); highest among the groups gnomAD compares: Non-Finnish European, 0.00017%; no homozygotes.

Submissions (2):

Labcorp Genetics (formerly Invitae), Labcorp
Classification: Uncertain significance for Nemaline myopathy 2. Last evaluated: 2025-10-29. Review status: criteria provided, single submitter. Criteria: Invitae Variant Classification Sherloc (09022015). Collection method: clinical testing. Allele origin: germline.
Comment: This sequence change replaces arginine, which is basic and polar, with lysine, which is basic and polar, at codon 8315 of the NEB protein (p.Arg8315Lys). This variant is present in population databases (rs759522039, gnomAD 0.0009%). This variant has not been reported in the literature in individuals affected with NEB-related conditions. ClinVar contains an entry for this variant (Variation ID: 1027180). Experimental studies and prediction algorithms are not available or were not evaluated, and the functional significance of this variant is currently unknown. In summary, the available evidence is currently insufficient to determine the role of this variant in disease. Therefore, it has been classified as a Variant of Uncertain Significance.

Revvity Omics, Revvity
Classification: Uncertain significance. Last evaluated: 2020-08-25. Review status: criteria provided, single submitter. Criteria: ACMG Guidelines, 2015. Collection method: clinical testing. Allele origin: germline.